The following is an entry in ClinVar:

ClinVar aggregate classification (germline): Pathogenic. Review status: criteria provided, multiple submitters, no conflicts (2 of 4 stars). 23 submissions from 22 submitters: Pathogenic (19). 4 of the submissions do not count toward it. Last evaluated 2025-10-23.

Conditions:
Complex neurodevelopmental disorder. Identifiers: Orphanet 528084, MedGen C5568766, MONDO:0100038.
Episodic ataxia, type 9. Identifiers: MedGen C5394520, MONDO:0030064, OMIM 618924.
SCN2A-related disorder. Also called: SCN2A-related condition; SCN2A-related disorders. Identifiers: MedGen CN382226, MONDO:1060245.
Inborn genetic diseases. Identifiers: MedGen C0950123, MeSH D030342.
Seizures, benign familial infantile, 3 (BFIS3). Also called: CONVULSIONS, BENIGN FAMILIAL INFANTILE, 3; Familial neonatal seizures. Identifiers: Orphanet 140927, Orphanet 306, MedGen C1843140, MONDO:0011904, OMIM 607745.
Developmental and epileptic encephalopathy, 11 (DEE11). Also called: Early infantile epileptic encephalopathy 11. Identifiers: Orphanet 1934, MedGen C3150987, MONDO:0013388, OMIM 613721.
Infantile spasms. Also called: Infantile spasm. Identifiers: MedGen C3887898, HP:0012469.
Epileptic encephalopathy. Identifiers: MedGen C0543888, HP:0200134.

Submissions 1 to 11 of 23:

Dasa
Classification: Pathogenic. Last evaluated: 2025-10-23. Review status: criteria provided, single submitter. Criteria: DASA Assertion Criteria. Collection method: clinical testing. Allele origin: germline.
Comment: NM_001040142.2(SCN2A):c.788C>T (p.Ala263Val) is a missense variant that results in the substitution of alanine with valine. The affected residue or protein region has prior evidence supporting clinical relevance. De novo occurrence has been reported in an individual with related phenotype. This variant has been recurrently observed in individuals with related phenotype (PMID: 26645390; PMID: 27159988; PMID: 28065826; PMID: 20956790). Multiple computational predictions support a deleterious effect on the gene or gene product. The variant is present at low frequency in population datasets. Based on the available data, this variant is classified as pathogenic.

Labcorp Genetics (formerly Invitae), Labcorp
Classification: Pathogenic for Seizures, benign familial infantile, 3; Developmental and epileptic encephalopathy, 11. Last evaluated: 2024-09-05. Review status: criteria provided, single submitter. Criteria: Invitae Variant Classification Sherloc (09022015). Collection method: clinical testing. Allele origin: germline.
Comment: This sequence change replaces alanine, which is neutral and non-polar, with valine, which is neutral and non-polar, at codon 263 of the SCN2A protein (p.Ala263Val). This variant is not present in population databases (gnomAD no frequency). This missense change has been observed in individual(s) with SCN2A-related conditions (PMID: 20956790, 26645390, 27159988, 28065826). In at least one individual the variant was observed to be de novo. ClinVar contains an entry for this variant (Variation ID: 29888). Invitae Evidence Modeling of protein sequence and biophysical properties (such as structural, functional, and spatial information, amino acid conservation, physicochemical variation, residue mobility, and thermodynamic stability) indicates that this missense variant is expected to disrupt SCN2A protein function with a positive predictive value of 95%. Experimental studies have shown that this missense change affects SCN2A function (PMID: 20956790). For these reasons, this variant has been classified as Pathogenic.

Ambry Genetics
Classification: Pathogenic for Inborn genetic diseases. Last evaluated: 2024-07-11. Review status: criteria provided, single submitter. Criteria: Ambry Variant Classification Scheme 2023. Collection method: clinical testing. Allele origin: germline.
Comment: The c.788C>T (p.A263V) alteration is located in exon 7 (coding exon 6) of the SCN2A gene. This alteration results from a C to T substitution at nucleotide position 788, causing the alanine (A) at amino acid position 263 to be replaced by a valine (V). for SCN2A-related seizure disorder; however, its clinical significance for SCN2A-related neurodevelopmental disorder is uncertain This variant was not reported in population-based cohorts in the Genome Aggregation Database (gnomAD). This variant has been determined to be the result of a heterozygous or de novo mutation in multiple individuals with clinical features including neonatal onset seizures of varying types, developmental delay, hypotonia, poor feeding, spasticity, abnormal EEG, abnormal MRI findings, and severe encephalopathy; of note, many individuals eventually became seizure free (Liao, 2010; Touma, 2013; Schwarz, 2015; Gorman, 2017; Wolff, 2017; Flor-Hirsch, 2018; Nashabat, 2019; Kim, 2020). This amino acid position is highly conserved in available vertebrate species. In multiple assays testing SCN2A function, including a knock-in mouse model, this variant showed abnormal results through the mechanism of altered channel function (Liao, 2010; Schattling, 2016; Berecki, 2022). This alteration is predicted to be deleterious by in silico analysis. Based on the available evidence, this alteration is classified as pathogenic.

GeneDx
Classification: Pathogenic. Last evaluated: 2024-05-03. Review status: criteria provided, single submitter. Criteria: GeneDx Variant Classification Process June 2021. Collection method: clinical testing. Allele origin: germline. Affected: yes.
Comment: Published functional analysis indicates A263V is a gain-of-function variant leading to neuronal hyperexcitability (PMID: 20956790); Not observed at significant frequency in large population cohorts (gnomAD); This substitution is predicted to be within the transmembrane segment S5 of the first homologous domain; In silico analysis supports that this missense variant has a deleterious effect on protein structure/function; This variant is associated with the following publications: (PMID: 26283219, 26645390, 24579881, 22029951, 27334371, 28379373, 30361185, 33084218, 32860008, 30928199, 31054490, 32488064, 33000761, 35982159, 32090326, 31440721, 32651551, 31175295, 32139178, 33057194, 36007526, 37432431, 20956790, 23550958, 27159988, 28065826)

Revvity Omics, Revvity
Classification: Pathogenic. Last evaluated: 2023-10-03. Review status: criteria provided, single submitter. Criteria: ACMG Guidelines, 2015. Collection method: clinical testing. Allele origin: germline.

3billion
Classification: Pathogenic for Developmental and epileptic encephalopathy, 11. Last evaluated: 2023-08-30. Review status: criteria provided, single submitter. Criteria: ACMG Guidelines, 2015. Collection method: clinical testing. Allele origin: germline. Affected: yes.
Comment: The variant is not observed in the gnomAD v2.1.1 dataset. Predicted Consequence/Location: Missense variant In silico tool predictions suggest damaging effect of the variant on gene or gene product [REVEL: 0.92 (>=0.6, sensitivity 0.68 and specificity 0.92); 3Cnet: 0.97 (>=0.6, sensitivity 0.72 and precision 0.9)]. Same nucleotide change resulting in same amino acid change has been previously reported as pathogenic/likely pathogenic with strong evidence (ClinVar ID: VCV000029888 /PMID: 20956790). The variant has been previously reported as de novo in a similarly affected individual (PMID: 20956790). Different missense changes at the same codon (p.Ala263Glu, p.Ala263Thr) have been reported as pathogenic/likely pathogenic with strong evidence (ClinVar ID: VCV000520403, VCV001070304 /PMID: 23935176). Therefore, this variant is classified as Pathogenic according to the recommendation of ACMG/AMP guideline.

PreventionGenetics, part of Exact Sciences
Classification: Pathogenic for SCN2A-related condition. Last evaluated: 2023-03-29. Review status: criteria provided, single submitter. Criteria: ACMG Guidelines, 2015. Collection method: clinical testing. Allele origin: germline.
Comment: The SCN2A c.788C>T variant is predicted to result in the amino acid substitution p.Ala263Val. This variant has been reported to be inherited and de novo in several individuals with neonatal epilepsy, late-onset ataxia, and/or myoclonus & pain (see for example the index case, Liao et al 2010. PubMed ID: 20956790; and literature reviewed in, Schwarz N et al 2019. PubMed ID: 30928199). These studies and others demonstrate that this variant causes a gain of channel function and occurs in a 'hot-spot' for pathogenic SCN2A variants. This variant has not been reported in a large population database, indicating it is rare. This variant is interpreted as pathogenic.

Mendelics
Classification: Pathogenic for Seizures, benign familial infantile, 3. Last evaluated: 2023-03-24. Review status: criteria provided, single submitter. Criteria: Mendelics Assertion Criteria 2017. Collection method: clinical testing. Allele origin: unknown.

Institute for Medical Genetics and Human Genetics, Charité - Universitätsmedizin Berlin
Classification: Pathogenic for Seizures, benign familial infantile, 3. Last evaluated: 2022-09-27. Review status: criteria provided, single submitter. Criteria: ACMG Guidelines, 2015. Collection method: clinical testing. Allele origin: germline. Inheritance: Autosomal dominant inheritance. Affected: yes. Observed: 1 heterozygote.

Athena Diagnostics
Classification: Pathogenic. Last evaluated: 2022-01-19. Review status: criteria provided, single submitter. Criteria: Athena Diagnostics Criteria. Collection method: clinical testing. Allele origin: unknown.
Comment: This variant has not been reported in large, multi-ethnic general populations. This variant has been confirmed to occur de novo in multiple individuals with clinical features associated with this gene. Assessment of experimental evidence suggests this variant results in abnormal protein function. In vitro analyses indicate this variant alters sodium channel function (PMID: 20956790).

AiLife Diagnostics
Classification: Pathogenic. Last evaluated: 2021-06-03. Review status: criteria provided, single submitter. Criteria: ACMG Guidelines, 2015. Collection method: clinical testing. Allele origin: de novo. Affected: yes. Observed: 1 variant allele.

NM_001040142.2(SCN2A):c.788C>T (p.Ala263Val)

Gene: SCN2A (sodium voltage-gated channel alpha subunit 2; plus strand). Cytogenetic location: 2q24.3.
Variant type: single nucleotide variant.
Coding change: c.788C>T on transcript NM_001040142.2 (MANE Select); coding-DNA position 788, C replaced by T.
Protein change: p.Ala263Val; replaces alanine 263 with valine.
Molecular consequence: missense variant.
Genome position (GRCh38, 1-based): chr2:165,310,413, C>T. VCF-style: chr2-165310413-C-T. GRCh37 (hg19) VCF-style: chr2-166166923-C-T.
Other names: p.A263V:GCG>GTG; c.788C>T, p.Ala263Val (NM_001040143.2, NM_001371246.1, NM_001371247.1 and 1 more transcripts); short protein forms A263V.
Identifiers: ClinVar variation 29888 (VCV000029888.93), dbSNP rs387906686, ClinGen allele CA128711.